The following is an entry in ClinVar:

NM_000093.5(COL5A1):c.1831C>T (p.Arg611Trp)

Gene: COL5A1 (collagen type V alpha 1 chain; plus strand). Cytogenetic location: 9q34.3.
Variant type: single nucleotide variant.
Coding change: c.1831C>T on transcript NM_000093.5 (MANE Select); coding-DNA position 1831, C replaced by T.
Protein change: p.Arg611Trp; replaces arginine 611 with tryptophan.
Molecular consequence: missense variant.
Genome position (GRCh38, 1-based): chr9:134,756,768, C>T. VCF-style: chr9-134756768-C-T. GRCh37 (hg19) VCF-style: chr9-137648614-C-T.
Other names: p.R611W:CGG>TGG; c.1831C>T, p.Arg611Trp (NM_001278074.1); short protein forms R611W.
Identifiers: ClinVar variation 212943 (VCV000212943.48), dbSNP rs147329970, ClinGen allele CA321821.
Genomic context (GRCh38, chr9:134,756,768, plus strand): 5'-GGGGTCTCAGTGAACCGGGGCTCTTTTGCATTGACGGTTTTGCCTCCTTTGTTCCAGGGT[C>T]GGGCTGGGAGTGATGGAGCCAGAGGAATGCCTGGACAAACTGGCCCCAAGGTAGGTCACC-3'
Protein context (NP_000084.3, residues 601-621): GPAGKPGRRG[Arg611Trp]AGSDGARGMP

ClinVar aggregate classification (germline): Conflicting classifications of pathogenicity. Review status: criteria provided, conflicting classifications (1 of 4 stars). 7 submissions from 7 submitters: Uncertain significance (4); Likely benign (3). Last evaluated 2025-12-24.

Conditions:
Ehlers-Danlos syndrome, classic type, 1 (EDSCL1). Also called: EHLERS-DANLOS SYNDROME, GRAVIS TYPE; EHLERS-DANLOS SYNDROME, SEVERE CLASSIC TYPE; Ehlers-Danlos syndrome, type 1; Ehlers-Danlos Syndrome, Classic Type, COL5A1-Related; EDS I. Identifiers: MedGen C0268335, MONDO:0019567, OMIM 130000.
Ehlers-Danlos syndrome, classic type (cEDS). Identifiers: Orphanet 287, MedGen C4225429, MONDO:0007522.
Ehlers-Danlos syndrome, classic type, 2 (EDSCL2). Also called: Ehlers-Danlos syndrome type 2 (formerly); Ehlers-Danlos syndrome, type 2; Ehlers-Danlos Syndrome, Classic Type, COL5A2-Related. Identifiers: Orphanet 287, Orphanet 90318, MedGen C0268336, MONDO:0019568, OMIM 130010.
Familial thoracic aortic aneurysm and aortic dissection (TAAD). Also called: Thoracic aortic aneurysms and dissections. Identifiers: Orphanet 91387, MedGen C4707243, MONDO:0019625.

Allele frequency attached by ClinVar (database versions not stated): gnomAD 0.00006 and 0.00007; gnomAD exomes 0.00008; TOPMed 0.00008; ExAC 0.00010; 1000 Genomes Project 0.00020; ESP Exome Variant Server 0.00023; 1000 Genomes Project 30x 0.00031.
gnomAD v4.1: 221 of 1,613,974 alleles (0.014%); highest among the groups gnomAD compares: Non-Finnish European, 0.016%; no homozygotes.

Submissions (7):

Labcorp Genetics (formerly Invitae), Labcorp
Classification: Likely benign for Ehlers-Danlos syndrome, classic type, 1. Last evaluated: 2025-12-24. Review status: criteria provided, single submitter. Criteria: Invitae Variant Classification Sherloc (09022015). Collection method: clinical testing. Allele origin: germline.

Women's Health and Genetics/Laboratory Corporation of America, LabCorp
Classification: Likely benign. Last evaluated: 2025-10-08. Review status: criteria provided, single submitter. Criteria: LabCorp Variant Classification Summary - May 2015. Collection method: clinical testing. Allele origin: germline.
Comment: Variant summary: COL5A1 c.1831C>T (p.Arg611Trp) results in a non-conservative amino acid change in the encoded protein sequence. Algorithms developed to predict the effect of missense changes on protein structure and function all suggest that this variant is likely to be disruptive. The variant allele was found at a frequency of 8e-05 in 251394 control chromosomes (gnomAD). The observed variant frequency exceeds the estimated maximal expected allele frequency for disease-causing variants in COL5A1. c.1831C>T has been observed in an individual(s) affected with Multifocal fibromuscular dysplasia without strong evidence of causality (Richer_2020). This report does not provide unequivocal conclusions about association of the variant with COL5A1-related conditions. To our knowledge, no experimental evidence demonstrating an impact on protein function has been reported. The following publication has been ascertained in the context of this evaluation (PMID: 32938213). ClinVar contains an entry for this variant (Variation ID: 212943). Based on the evidence outlined above, the variant was classified as likely benign.

GeneDx
Classification: Uncertain significance. Last evaluated: 2025-06-06. Review status: criteria provided, single submitter. Criteria: GeneDx Variant Classification Process June 2021. Collection method: clinical testing. Allele origin: germline. Affected: yes.
Comment: Has not been previously reported as pathogenic or benign in association with cEDS to our knowledge; In silico analysis supports that this missense variant has a deleterious effect on protein structure/function; This variant is associated with the following publications: (PMID: 29924831, 32938213, 36043395, 33161638, 22696272)

Blueprint Genetics
Classification: Likely benign. Last evaluated: 2024-06-05. Review status: criteria provided, single submitter. Criteria: ACMG Guidelines, 2015. Collection method: clinical testing. Allele origin: germline.

Ambry Genetics
Classification: Uncertain significance for Familial thoracic aortic aneurysm and aortic dissection. Last evaluated: 2024-04-11. Review status: criteria provided, single submitter. Criteria: Ambry Variant Classification Scheme 2023. Collection method: clinical testing. Allele origin: germline.
Comment: The p.R611W variant (also known as c.1831C>T), located in coding exon 17 of the COL5A1 gene, results from a C to T substitution at nucleotide position 1831. The arginine at codon 611 is replaced by tryptophan, an amino acid with dissimilar properties. This amino acid position is highly conserved in available vertebrate species. In addition, this alteration is predicted to be deleterious by in silico analysis. Based on the available evidence, the clinical significance of this variant remains unclear.

CeGaT Center for Human Genetics Tuebingen
Classification: Uncertain significance. Last evaluated: 2023-01-01. Review status: criteria provided, single submitter. Criteria: CeGaT Center For Human Genetics Tuebingen Variant Classification Criteria Version 2. Collection method: clinical testing. Allele origin: germline. Affected: yes. Observed: 1 variant allele.
Comment: COL5A1: PP3

Victorian Clinical Genetics Services, Murdoch Childrens Research Institute
Classification: Uncertain significance for Ehlers-Danlos syndrome, classic type, 1. Last evaluated: 2022-09-02. Review status: criteria provided, single submitter. Criteria: ACMG Guidelines, 2015. Collection method: clinical testing. Allele origin: germline. Inheritance: Autosomal dominant inheritance. Affected: yes.
Comment: Based on the classification scheme VCGS_Germline_v1.3.4, this variant is classified as VUS-3B. Following criteria are met: 0102 - Loss of function is a known mechanism of disease in this gene and is associated with classic type Ehlers-Danlos syndrome 1 (MIM#130000). Dominant negative is a suggested mechanism of disease (PMID: 32720758). (I) 0107 - This gene is associated with autosomal dominant disease. (I) 0200 - Variant is predicted to result in a missense amino acid change from arginine to tryptophan. (I) 0251 - This variant is heterozygous. (I) 0302 - Variant is present in gnomAD <0.001 for a dominant condition (v2 & v3: 28 heterozygotes, 0 homozygotes). (SP) 0309 - An alternative amino acid change at the same position has been observed in gnomAD (v2 & v3: 20 heterozygotes, 0 homozygotes). (I) 0501 - Missense variant consistently predicted to be damaging by multiple in silico tools or highly conserved with a major amino acid change. (SP) 0600 - Variant is located in the annotated triple helical domain (DECIPHER). (I) 0710 - Another missense variant comparable to the one identified in this case has inconclusive previous evidence for pathogenicity. p.(Arg611Gln) has been reported as a VUS, including in an individual with suspected aortopathy (ClinVar, VCGS). (I) 0808 - Previous reports of pathogenicity for this variant are conflicting. This variant has been reported as a VUS, including in three affected individuals (ClinVar, VCGS, PMID: 32938213). It has also been reported in an individual with classic Ehlers-Danlos syndrome (PMID: 33161638). However, it has also been reported as likely benign once in ClinVar without further information provided. (I) 0905 - No published segregation evidence has been identified for this variant. (I) 1007 - No published functional evidence has been identified for this variant. (I) 1208 - Inheritance information for this variant is not currently available in this individual. (I) Legend: (SP) - Supporting pathogenic, (I) - Information, (SB) - Supporting benign

Literature cited by the submitters: PubMed 32938213 (cited by Women's Health and Genetics/Laboratory Corporation of America, LabCorp and Victorian Clinical Genetics Services, Murdoch Childrens Research Institute); PubMed 32720758 (cited by Victorian Clinical Genetics Services, Murdoch Childrens Research Institute); PubMed 33161638 (cited by Victorian Clinical Genetics Services, Murdoch Childrens Research Institute).